The following is an entry in ClinVar:

NM_000553.6(WRN):c.172G>T (p.Asp58Tyr)

Gene: WRN (WRN RecQ like helicase; plus strand). Cytogenetic location: 8p12.
Variant type: single nucleotide variant.
Coding change: c.172G>T on transcript NM_000553.6 (MANE Select); coding-DNA position 172, G replaced by T.
Protein change: p.Asp58Tyr; replaces aspartic acid 58 with tyrosine.
Molecular consequence: missense variant.
Genome position (GRCh38, 1-based): chr8:31,059,228, G>T. VCF-style: chr8-31059228-G-T. GRCh37 (hg19) VCF-style: chr8-30916744-G-T.
Other names: short protein forms D58Y.
Identifiers: ClinVar variation 860455 (VCV000860455.4), dbSNP rs773803207, ClinGen allele CA370912610.

ClinVar aggregate classification (germline): Uncertain significance (1 of 4 stars; one submission).

Conditions:
Werner syndrome (WRN). Identifiers: Orphanet 902, MedGen C0043119, MONDO:0010196, OMIM 277700.

gnomAD v4.1: 1 of 1,613,758 alleles (0.000062%); highest among the groups gnomAD compares: Non-Finnish European, 0.000085%; no homozygotes.

Submission:

Labcorp Genetics (formerly Invitae), Labcorp
Classification: Uncertain significance for Werner syndrome. Last evaluated: 2022-10-20. Review status: criteria provided, single submitter. Criteria: Invitae Variant Classification Sherloc (09022015). Collection method: clinical testing. Allele origin: germline.
Comment: This sequence change replaces aspartic acid, which is acidic and polar, with tyrosine, which is neutral and polar, at codon 58 of the WRN protein (p.Asp58Tyr). This variant is not present in population databases (gnomAD no frequency). This variant has not been reported in the literature in individuals affected with WRN-related conditions. ClinVar contains an entry for this variant (Variation ID: 860455). Algorithms developed to predict the effect of missense changes on protein structure and function are either unavailable or do not agree on the potential impact of this missense change (SIFT: "Not Available"; PolyPhen-2: "Possibly Damaging"; Align-GVGD: "Not Available"). In summary, the available evidence is currently insufficient to determine the role of this variant in disease. Therefore, it has been classified as a Variant of Uncertain Significance.